The following is an entry in ClinVar:

NM_000350.3(ABCA4):c.6494A>G (p.Tyr2165Cys)

Gene: ABCA4 (ATP binding cassette subfamily A member 4; minus strand). Cytogenetic location: 1p22.1.
Variant type: single nucleotide variant.
Coding change: c.6494A>G on transcript NM_000350.3 (MANE Select); coding-DNA position 6494, A replaced by G.
Protein change: p.Tyr2165Cys; replaces tyrosine 2165 with cysteine.
Molecular consequence: missense variant.
Genome position (GRCh38, 1-based): chr1:93,998,096, T>C on the plus strand (A>G on the coding strand, the complement: ABCA4 is on the minus strand). VCF-style: chr1-93998096-T-C. GRCh37 (hg19) VCF-style: chr1-94463652-T-C.
Other names: c.6272A>G, p.Tyr2091Cys (NM_001425324.1); short protein forms Y2165C, Y2091C.
Identifiers: ClinVar variation 865847 (VCV000865847.8), dbSNP rs940867738, ClinGen allele CA26829093.

ClinVar aggregate classification (germline): Uncertain significance. Review status: criteria provided, multiple submitters, no conflicts (2 of 4 stars). 2 submissions from 2 submitters: Uncertain significance (2). Last evaluated 2021-10-25.

Allele frequency attached by ClinVar (database versions not stated): gnomAD exomes below 0.00001; TOPMed below 0.00001; gnomAD 0.00001.
gnomAD v4.1: 4 of 1,614,094 alleles (0.00025%); highest among the groups gnomAD compares: African/African-American, 0.0027%; no homozygotes.

Submissions (2):

Labcorp Genetics (formerly Invitae), Labcorp
Classification: Uncertain significance. Last evaluated: 2021-10-25. Review status: criteria provided, single submitter. Criteria: Invitae Variant Classification Sherloc (09022015). Collection method: clinical testing. Allele origin: germline.
Comment: This variant has not been reported in the literature in individuals affected with ABCA4-related conditions. In summary, the available evidence is currently insufficient to determine the role of this variant in disease. Therefore, it has been classified as a Variant of Uncertain Significance. Advanced modeling of protein sequence and biophysical properties (such as structural, functional, and spatial information, amino acid conservation, physicochemical variation, residue mobility, and thermodynamic stability) performed at Invitae indicates that this missense variant is expected to disrupt ABCA4 protein function. ClinVar contains an entry for this variant (Variation ID: 865847). This variant is not present in population databases (ExAC no frequency). This sequence change replaces tyrosine with cysteine at codon 2165 of the ABCA4 protein (p.Tyr2165Cys). The tyrosine residue is highly conserved and there is a large physicochemical difference between tyrosine and cysteine.

Blueprint Genetics
Classification: Uncertain significance. Last evaluated: 2019-01-05. Review status: criteria provided, single submitter. Criteria: ACMG Guidelines, 2015. Collection method: clinical testing. Allele origin: germline.